The following is an entry in ClinVar:

ClinVar aggregate classification (germline): Likely benign (1 of 4 stars; one submission).

Submission:

GeneDx
Classification: Likely benign. Last evaluated: 2018-01-22. Review status: criteria provided, single submitter. Criteria: GeneDx Variant Classification (06012015). Collection method: clinical testing. Allele origin: germline. Affected: yes.
Comment: This variant is considered likely benign or benign based on one or more of the following criteria: it is a conservative change, it occurs at a poorly conserved position in the protein, it is predicted to be benign by multiple in silico algorithms, and/or has population frequency not consistent with disease.

NM_001042545.2(LTBP4):c.3832+11C>G

Gene: LTBP4 (latent transforming growth factor beta binding protein 4; plus strand). Cytogenetic location: 19q13.2.
Variant type: single nucleotide variant.
Coding change: c.3832+11C>G on transcript NM_001042545.2 (MANE Select); 11 bases into the intron after coding-DNA position 3832, C replaced by G.
Molecular consequence: intron variant.
Genome position (GRCh38, 1-based): chr19:40,624,093, C>G. VCF-style: chr19-40624093-C-G. GRCh37 (hg19) VCF-style: chr19-41129998-C-G.
Other names: c.3922+11C>G (NM_003573.2); c.4033+11C>G (NM_001042544.1).
Identifiers: ClinVar variation 514720 (VCV000514720.1), dbSNP rs1555742755, ClinGen allele CA658799227.
Genomic context (GRCh38, chr19:40,624,093, plus strand): 5'-GCTGGATGGCTCGCAGCGCCGCTGCGTCTCCAACGAGAGCCAGAGCCTCGGTAACCCCGC[C>G]CACGCCATCCAGGCCCTCCTTCCCTTGGCTCGGCCTCACACCCGCACCCGGGCCACACCT-3'